The following is an entry in ClinVar:

ClinVar aggregate classification (germline): Uncertain significance (1 of 4 stars; one submission).

Conditions:
Vitamin B2 deficiency. Identifiers: MedGen C0035528.

Allele frequency attached by ClinVar (database versions not stated): ExAC 0.00003; gnomAD 0.00006 and 0.00007; TOPMed 0.00007; ESP Exome Variant Server 0.00008; gnomAD exomes 0.00008.
gnomAD v4.1: 124 of 1,609,324 alleles (0.0077%); highest among the groups gnomAD compares: Admixed American, 0.029%; 1 homozygote.

Submission:

Labcorp Genetics (formerly Invitae), Labcorp
Classification: Uncertain significance for Vitamin B2 deficiency. Last evaluated: 2025-08-24. Review status: criteria provided, single submitter. Criteria: Invitae Variant Classification Sherloc (09022015). Collection method: clinical testing. Allele origin: germline.
Comment: This sequence change replaces proline, which is neutral and non-polar, with leucine, which is neutral and non-polar, at codon 73 of the SLC52A1 protein (p.Pro73Leu). This variant is present in population databases (rs137937212, gnomAD 0.02%). This variant has not been reported in the literature in individuals affected with SLC52A1-related conditions. ClinVar contains an entry for this variant (Variation ID: 1388016). Invitae Evidence Modeling of protein sequence and biophysical properties (such as structural, functional, and spatial information, amino acid conservation, physicochemical variation, residue mobility, and thermodynamic stability) indicates that this missense variant is not expected to disrupt SLC52A1 protein function with a negative predictive value of 80%. In summary, the available evidence is currently insufficient to determine the role of this variant in disease. Therefore, it has been classified as a Variant of Uncertain Significance.

NM_017986.4(SLC52A1):c.218C>T (p.Pro73Leu)

Gene: SLC52A1 (solute carrier family 52 member 1; minus strand). Cytogenetic location: 17p13.2.
Variant type: single nucleotide variant.
Coding change: c.218C>T on transcript NM_017986.4 (MANE Select); coding-DNA position 218, C replaced by T.
Protein change: p.Pro73Leu; replaces proline 73 with leucine.
Molecular consequence: missense variant.
Genome position (GRCh38, 1-based): chr17:5,034,271, G>A on the plus strand (C>T on the coding strand, the complement: SLC52A1 is on the minus strand). VCF-style: chr17-5034271-G-A. GRCh37 (hg19) VCF-style: chr17-4937566-G-A.
Other names: c.218C>T, p.Pro73Leu (NM_001104577.2); short protein forms P73L.
Identifiers: ClinVar variation 1388016 (VCV001388016.6), dbSNP rs137937212, ClinGen allele CA8319842.